The following is an entry in ClinVar:

NM_001130987.2(DYSF):c.1577-2A>G

Gene: DYSF (dysferlin; plus strand). Cytogenetic location: 2p13.2.
Variant type: single nucleotide variant.
Coding change: c.1577-2A>G on transcript NM_001130987.2 (MANE Select); the canonical splice acceptor site of the intron before coding-DNA position 1577, A replaced by G.
Molecular consequence: splice acceptor variant.
Genome position (GRCh38, 1-based): chr2:71,551,039, A>G. VCF-style: chr2-71551039-A-G. GRCh37 (hg19) VCF-style: chr2-71778169-A-G.
Other names: c.1616-2A>G (NM_001130979.2); c.1574-2A>G (NM_001130981.2, NM_001130980.2); c.1523-2A>G (NM_001130978.2, NM_003494.4); c.1481-2A>G (NM_001130977.2, NM_001130976.2); c.1619-2A>G (NM_001130982.2); c.1577-2A>G (NM_001130985.2); c.1526-2A>G (NM_001130983.2, NM_001130455.2); c.1484-2A>G (NM_001130984.2, NM_001130986.2).
Identifiers: ClinVar variation 552023 (VCV000552023.5), dbSNP rs1553542142, ClinGen allele CA347217280.

ClinVar aggregate classification (germline): Pathogenic. Review status: criteria provided, single submitter (1 of 4 stars). 2 submissions from 2 submitters: Pathogenic (1). 1 of the submissions does not count toward it. Last evaluated 2023-10-13.

Conditions:
Neuromuscular disease caused by qualitative or quantitative defects of dysferlin. Also called: Qualitative or quantitative defects of dysferlin; Dysferlinopathy. Identifiers: Orphanet 207073, MedGen C2931687, MONDO:0016145.
Autosomal recessive limb-girdle muscular dystrophy type 2B (LGMDR2). Also called: Limb-Girdle Muscular Dystrophy Type 2B (LGMD2B); MUSCULAR DYSTROPHY, LIMB-GIRDLE, AUTOSOMAL RECESSIVE 2; MUSCULAR DYSTROPHY, LIMB-GIRDLE, TYPE 3; Limb-girdle muscular dystrophy, type 2B. Identifiers: Orphanet 268, MedGen C1850889, MONDO:0009676, OMIM 253601.

Submissions (2):

Labcorp Genetics (formerly Invitae), Labcorp
Classification: Pathogenic for Neuromuscular disease caused by qualitative or quantitative defects of dysferlin. Last evaluated: 2023-10-13. Review status: criteria provided, single submitter. Criteria: Invitae Variant Classification Sherloc (09022015). Collection method: clinical testing. Allele origin: germline.
Comment: This sequence change affects an acceptor splice site in intron 17 of the DYSF gene. It is expected to disrupt RNA splicing. Variants that disrupt the donor or acceptor splice site typically lead to a loss of protein function (PMID: 16199547), and loss-of-function variants in DYSF are known to be pathogenic (PMID: 17698709, 20301480). This variant is not present in population databases (gnomAD no frequency). Disruption of this splice site has been observed in individual(s) with limb-girdle muscular dystrophy (PMID: 27647186). ClinVar contains an entry for this variant (Variation ID: 552023). Algorithms developed to predict the effect of sequence changes on RNA splicing suggest that this variant may disrupt the consensus splice site. For these reasons, this variant has been classified as Pathogenic.

Counsyl
Classification: Pathogenic for Autosomal recessive limb-girdle muscular dystrophy type 2B. Last evaluated: 2017-05-19. Review status: no assertion criteria provided. Collection method: clinical testing. Allele origin: unknown. Not counted in ClinVar's aggregate classification.

Literature cited by the submitters: PubMed 16199547 (cited by Labcorp Genetics (formerly Invitae), Labcorp); PubMed 17698709 (cited by Labcorp Genetics (formerly Invitae), Labcorp); PubMed 20301480 (cited by Labcorp Genetics (formerly Invitae), Labcorp); PubMed 27647186 (cited by Labcorp Genetics (formerly Invitae), Labcorp and Counsyl).